The following is an entry in ClinVar:

NM_030665.4(RAI1):c.5064C>T (p.Cys1688=)

Gene: RAI1 (retinoic acid induced 1; plus strand). Cytogenetic location: 17p11.2.
Variant type: single nucleotide variant.
Coding change: c.5064C>T on transcript NM_030665.4 (MANE Select); coding-DNA position 5064, C replaced by T.
Protein change: p.Cys1688=; no amino-acid change (cysteine 1688 retained).
Molecular consequence: synonymous variant.
Genome position (GRCh38, 1-based): chr17:17,798,012, C>T. VCF-style: chr17-17798012-C-T. GRCh37 (hg19) VCF-style: chr17-17701326-C-T.
Identifiers: ClinVar variation 1701313 (VCV001701313.31), dbSNP rs2143003359, ClinGen allele CA498425499.

ClinVar aggregate classification (germline): Likely benign (1 of 4 stars; one submission).

Submission:

CeGaT Center for Human Genetics Tuebingen
Classification: Likely benign. Last evaluated: 2022-07-01. Review status: criteria provided, single submitter. Criteria: CeGaT Center For Human Genetics Tuebingen Variant Classification Criteria Version 2. Collection method: clinical testing. Allele origin: germline. Affected: yes. Observed: 1 variant allele.
Comment: RAI1: PM2:Supporting, BP4, BP7